The following is an entry in ClinVar:

ClinVar aggregate classification (germline): Uncertain significance (1 of 4 stars; one submission).

gnomAD v4.1: 3 of 1,549,538 alleles (0.00019%); highest among the groups gnomAD compares: Non-Finnish European, 0.00026%; no homozygotes.

Submission:

Labcorp Genetics (formerly Invitae), Labcorp
Classification: Uncertain significance. Last evaluated: 2024-07-17. Review status: criteria provided, single submitter. Criteria: Invitae Variant Classification Sherloc (09022015). Collection method: clinical testing. Allele origin: germline.
Comment: This sequence change replaces histidine, which is basic and polar, with glutamine, which is neutral and polar, at codon 187 of the DTHD1 protein (p.His187Gln). This variant is not present in population databases (gnomAD no frequency). This variant has not been reported in the literature in individuals affected with DTHD1-related conditions. An algorithm developed to predict the effect of missense changes on protein structure and function (PolyPhen-2) suggests that this variant is likely to be tolerated. In summary, the available evidence is currently insufficient to determine the role of this variant in disease. Therefore, it has been classified as a Variant of Uncertain Significance.

NM_001170700.3(DTHD1):c.1431T>A (p.His477Gln)

Gene: DTHD1 (death domain containing 1; plus strand). Cytogenetic location: 4p14.
Variant type: single nucleotide variant.
Coding change: c.1431T>A on transcript NM_001170700.3 (MANE Select); coding-DNA position 1431, T replaced by A.
Protein change: p.His477Gln; replaces histidine 477 with glutamine.
Molecular consequence: missense variant. On other transcripts: non-coding transcript variant (2).
Genome position (GRCh38, 1-based): chr4:36,294,827, T>A. VCF-style: chr4-36294827-T-A. GRCh37 (hg19) VCF-style: chr4-36296449-T-A.
Other names: c.561T>A, p.His187Gln (NM_001136536.5); c.498T>A, p.His166Gln (NM_001378435.1); short protein forms H187Q, H477Q, H166Q.
Identifiers: ClinVar variation 3710048 (VCV003710048.2).